The following is an entry in ClinVar:

ClinVar aggregate classification (germline): Pathogenic. Review status: criteria provided, single submitter (1 of 4 stars). 5 submissions from 3 submitters: Pathogenic (1). 4 of the submissions do not count toward it. Last evaluated 2024-07-04.

Conditions:
CDKL5 disorder. Identifiers: MedGen CN296942, MONDO:0100039.
Autism (AUTS). Also called: Autistic disorder of childhood onset; Autistic disorder. Identifiers: MedGen C0004352, MeSH D001321, MONDO:0005260, OMIM 209850, HP:0000717.
Atypical Rett syndrome. Also called: Rett like syndrome; Variant Rett Syndrome. Identifiers: Orphanet 3095, MedGen C2748910, MONDO:0017746.
Developmental and epileptic encephalopathy, 2 (DEE2). Also called: INFANTILE SPASM SYNDROME, X-LINKED 2; CDKL5 deficiency disorder. Identifiers: Orphanet 1934, Orphanet 3451, Orphanet 505652, MedGen C4750718, MONDO:0010396, OMIM 300672.

Submissions (5):

Centre for Population Genomics, CPG
Classification: Pathogenic for CDKL5 disorder. Last evaluated: 2024-07-04. Review status: criteria provided, single submitter. Criteria: McKnight et al. (Hum Mutat. 2022). Collection method: curation. Allele origin: germline. Inheritance: X-linked inheritance.
Comment: This variant has been collected from RettBASE and curated to current modified ACMG/AMP criteria. Based on the classification scheme defined by the ClinGen Rett/Angelman-like Expert Panel for Rett/AS-like Disorders Specifications to the ACMG/AMP Variant Interpretation Guidelines VCEP 3.0, this variant is classified as pathogenic. At least the following criteria are met: Predicted to result in loss of function, and LOF is a known mechanism of disease (PVS1). This variant has been identified as a de novo occurrence in at least 2 individuals with CDKL5 disorder, without confirmation of paternity and maternity (PM6_Strong, PMID: 15492925). This variant is absent from gnomAD (PM2_Supporting).

RettBASE
Classification: Pathogenic for Epileptic encephalopathy, early infantile, 2. Last evaluated: 2014-03-13. Review status: no assertion criteria provided. Collection method: curation. Allele origin: unknown. Affected: yes. Observed: 1 variant allele. Not counted in ClinVar's aggregate classification.
Comment: Frameshift mutation in exon 5, leads to a truncated polypeptide with 74 amino acid residues

RettBASE
Classification: Pathogenic for Atypical Rett syndrome. Last evaluated: 2014-03-13. Review status: no assertion criteria provided. Collection method: curation. Allele origin: unknown. Affected: yes. Observed: 1 variant allele. Not counted in ClinVar's aggregate classification.
Comment: the same text as in the submission from RettBASE above.

RettBASE
Classification: Pathogenic for Autism. Last evaluated: 2014-03-13. Review status: no assertion criteria provided. Collection method: curation. Allele origin: unknown. Affected: yes. Observed: 1 variant allele. Not counted in ClinVar's aggregate classification.
Comment: the same text as in the submission from RettBASE above.

OMIM
Classification: Pathogenic for DEVELOPMENTAL AND EPILEPTIC ENCEPHALOPATHY 2. Last evaluated: 2004-12-01. Review status: no assertion criteria provided. Collection method: literature only. Allele origin: germline. Not counted in ClinVar's aggregate classification.

Literature cited by the submitters: PubMed 15492925 (cited by RettBASE and OMIM).

NM_001323289.2(CDKL5):c.183del (p.Met63fs)

Gene: CDKL5 (cyclin dependent kinase like 5; plus strand). Cytogenetic location: Xp22.13.
Variant type: Deletion.
Coding change: c.183del on transcript NM_001323289.2 (MANE Select); coding-DNA position 183, one base deleted (T; older notation c.183delT).
Protein change: p.Met63fs; shifts the reading frame from methionine 63.
Molecular consequence: frameshift variant.
Genome position (GRCh38, 1-based): chrX:18,575,391, T deleted; the last of 2 consecutive T bases (chrX:18,575,390-18,575,391); deleting either gives the same sequence. VCF-style (leftmost placement, unchanged base first): chrX-18575389-CT-C. GRCh37 (hg19) VCF-style: chrX-18593509-CT-C.
Other names: NM_001323289.2(CDKL5):c.183del; p.Met63fs; c.183del, p.Met63fs (NM_001037343.2, NM_003159.3); c.183delT (NM_003159.2); short protein forms M63fs.
Identifiers: ClinVar variation 143785 (VCV000143785.5), dbSNP rs62643608, ClinGen allele CA170456.
Genomic context (GRCh38, chrX:18,575,389, plus strand): 5'-CTCTTCACCATTGTTTACATTCTAGAAAATGAAGAAGTCAAAGAAACGACTTTACGAGAG[CT>C]TAAAATGCTTCGGACTCTCAAGCAGGAAAACATTGTGGAGTTGAAGGAAGCATTTCGTCG-3'